The following is an entry in ClinVar:

NM_000179.3(MSH6):c.347A>G (p.Asp116Gly)

Gene: MSH6 (mutS homolog 6; plus strand). Cytogenetic location: 2p16.3.
Variant type: single nucleotide variant.
Coding change: c.347A>G on transcript NM_000179.3 (MANE Select); coding-DNA position 347, A replaced by G.
Protein change: p.Asp116Gly; replaces aspartic acid 116 with glycine.
Molecular consequence: missense variant. On other transcripts: 5 prime UTR variant (2), intron variant (1).
Genome position (GRCh38, 1-based): chr2:47,791,013, A>G. VCF-style: chr2-47791013-A-G. GRCh37 (hg19) VCF-style: chr2-48018152-A-G.
Other names: c.-390A>G (NM_001281493.2); c.-556A>G (NM_001281494.2); c.237+7543A>G (NM_001281492.2); short protein forms D116G.
Identifiers: ClinVar variation 549722 (VCV000549722.16), dbSNP rs1553410255, ClinGen allele CA346736982.
Genomic context (GRCh38, chr2:47,791,013, plus strand): 5'-TTTGGGCCAAGATGGAGGGTTACCCCTGGTGGCCTTGTCTGGTTTACAACCACCCCTTTG[A>G]TGGAACATTCATCCGCGAGAAAGGGAAATCAGTCCGTGTTCATGTACAGTTTTTTGATGA-3'
Protein context (NP_000170.1, residues 106-126): WPCLVYNHPF[Asp116Gly]GTFIREKGKS

ClinVar aggregate classification (germline): Uncertain significance. Review status: criteria provided, multiple submitters, no conflicts (2 of 4 stars). 5 submissions from 5 submitters: Uncertain significance (3). 2 of the submissions do not count toward it. Last evaluated 2024-02-27.

Conditions:
Hereditary nonpolyposis colorectal neoplasms. Identifiers: MedGen C0009405, MeSH D003123.
Malignant tumor of breast. Also called: Cancer breast; Malignant breast neoplasm. Identifiers: MedGen C0006142, MONDO:0007254. Disease mechanism: loss of function.
Hereditary cancer-predisposing syndrome. Also called: Hereditary Cancer Syndrome; Hereditary neoplastic syndrome; Tumor predisposition; Neoplastic Syndromes, Hereditary. Identifiers: Orphanet 140162, MedGen C0027672, MeSH D009386, MONDO:0015356.

Submissions (5):

Ambry Genetics
Classification: Uncertain significance for Hereditary cancer-predisposing syndrome. Last evaluated: 2024-02-27. Review status: criteria provided, single submitter. Criteria: Ambry Variant Classification Scheme 2023. Collection method: clinical testing. Allele origin: germline.
Comment: The p.D116G variant (also known as c.347A>G), located in coding exon 2 of the MSH6 gene, results from an A to G substitution at nucleotide position 347. The aspartic acid at codon 116 is replaced by glycine, an amino acid with similar properties. This alteration has been identified in multiple individuals diagnosed with breast cancer (Lerner-Ellis J et al. J Cancer Res Clin Oncol, 2021 Mar;147:871-879; Hu L et al. NPJ Breast Cancer, 2022 Apr;8:52). This amino acid position is not well conserved in available vertebrate species. In addition, this alteration is predicted to be tolerated by in silico analysis. Based on the available evidence, the clinical significance of this alteration remains unclear.

Labcorp Genetics (formerly Invitae), Labcorp
Classification: Uncertain significance for Hereditary nonpolyposis colorectal neoplasms. Last evaluated: 2023-03-07. Review status: criteria provided, single submitter. Criteria: Invitae Variant Classification Sherloc (09022015). Collection method: clinical testing. Allele origin: germline.
Comment: This variant has not been reported in the literature in individuals affected with MSH6-related conditions. ClinVar contains an entry for this variant (Variation ID: 549722). Advanced modeling of protein sequence and biophysical properties (such as structural, functional, and spatial information, amino acid conservation, physicochemical variation, residue mobility, and thermodynamic stability) performed at Invitae indicates that this missense variant is not expected to disrupt MSH6 protein function. In summary, the available evidence is currently insufficient to determine the role of this variant in disease. Therefore, it has been classified as a Variant of Uncertain Significance. This variant is not present in population databases (gnomAD no frequency). This sequence change replaces aspartic acid, which is acidic and polar, with glycine, which is neutral and non-polar, at codon 116 of the MSH6 protein (p.Asp116Gly).

Color Diagnostics, LLC DBA Color Health
Classification: Uncertain significance for Hereditary cancer-predisposing syndrome. Last evaluated: 2020-12-08. Review status: criteria provided, single submitter. Criteria: ACMG Guidelines, 2015. Collection method: clinical testing. Allele origin: germline.
Comment: This missense variant replaces aspartic acid with glycine at codon 116 of the MSH6 protein. Computational prediction suggests that this variant may not impact protein structure and function (internally defined REVEL score threshold <= 0.5, PMID: 27666373). To our knowledge, functional studies have not been reported for this variant. This variant has been reported in an individual affected with breast cancer (PMID: 31784482). This variant has not been identified in the general population by the Genome Aggregation Database (gnomAD). The available evidence is insufficient to determine the role of this variant in disease conclusively. Therefore, this variant is classified as a Variant of Uncertain Significance.

True Health Diagnostics
Classification: Uncertain significance for Hereditary cancer-predisposing syndrome. Last evaluated: 2017-08-11. Review status: no assertion criteria provided. Collection method: clinical testing. Allele origin: germline. Not counted in ClinVar's aggregate classification.

Department of Pathology and Laboratory Medicine, Sinai Health System
Classification: Uncertain significance for Malignant tumor of breast. Review status: no assertion criteria provided. Collection method: clinical testing. Allele origin: unknown. Affected: yes. Study: The Canadian Open Genetics Repository (COGR). Not counted in ClinVar's aggregate classification.
Comment: The MSH6 p.Asp116Gly variant was not identified in the literature nor was it identified in the dbSNP, COGR, Cosmic, MutDB, UMD-LSDB, Zhejiang University Database, Mismatch Repair Genes Variant Database, or the Insight Hereditary Tumors database. The variant was only identified in ClinVar (1x as uncertain significance by True Health Diagnostic). The variant was not identified in the following control databases: the 1000 Genomes Project, the NHLBI GO Exome Sequencing Project, the Exome Aggregation Consortium (August 8th 2016), or the Genome Aggregation Database (Feb 27, 2017). The p.Asp116 residue is not conserved in mammals and 3 of 4 computational analyses (PolyPhen-2, SIFT, AlignGVGD, MutationTaster) do not suggest a high likelihood of impact to the protein; this information is not predictive enough to rule out pathogenicity. The variant occurs outside of the splicing consensus sequence and 4 of 4 in silico or computational prediction software programs (SpliceSiteFinder, MaxEntScan, NNSPLICE, GeneSplicer) do not predict a difference in splicing. In summary, based on the above information the clinical significance of this variant cannot be determined with certainty at this time. This variant is classified as a variant of uncertain significance.

Literature cited by the submitters: PubMed 32885271 (cited by Ambry Genetics); PubMed 35449176 (cited by Ambry Genetics).